The following is an entry in ClinVar:

NM_006329.4(FBLN5):c.447C>T (p.Gly149=)

Gene: FBLN5 (fibulin 5; minus strand). Cytogenetic location: 14q32.12.
Variant type: single nucleotide variant.
Coding change: c.447C>T on transcript NM_006329.4 (MANE Select); coding-DNA position 447, C replaced by T.
Protein change: p.Gly149=; no amino-acid change (glycine 149 retained).
Molecular consequence: synonymous variant.
Genome position (GRCh38, 1-based): chr14:91,895,005, G>A on the plus strand (C>T on the coding strand, the complement: FBLN5 is on the minus strand). VCF-style: chr14-91895005-G-A. GRCh37 (hg19) VCF-style: chr14-92361349-G-A.
Other names: c.570C>T, p.Gly190= (NM_001384158.1); c.498C>T, p.Gly166= (NM_001384159.1); c.447C>T, p.Gly149= (NM_001384160.1); c.279C>T, p.Gly93= (NM_001384161.1, NM_001384162.1).
Identifiers: ClinVar variation 1967056 (VCV001967056.5), dbSNP rs1384736774, ClinGen allele CA487567773.

ClinVar aggregate classification (germline): Uncertain significance (1 of 4 stars; one submission).

Allele frequency attached by ClinVar (database versions not stated): gnomAD exomes 0.00001.
gnomAD v4.1: 3 of 1,614,046 alleles (0.00019%); highest among the groups gnomAD compares: East Asian, 0.0022%; no homozygotes.

Submission:

Labcorp Genetics (formerly Invitae), Labcorp
Classification: Uncertain significance. Last evaluated: 2023-03-01. Review status: criteria provided, single submitter. Criteria: Invitae Variant Classification Sherloc (09022015). Collection method: clinical testing. Allele origin: germline.
Comment: In summary, the available evidence is currently insufficient to determine the role of this variant in disease. Therefore, it has been classified as a Variant of Uncertain Significance. Algorithms developed to predict the effect of sequence changes on RNA splicing suggest that this variant may disrupt the consensus splice site. ClinVar contains an entry for this variant (Variation ID: 1967056). This variant has not been reported in the literature in individuals affected with FBLN5-related conditions. This variant is present in population databases (no rsID available, gnomAD 0.006%). This sequence change affects codon 149 of the FBLN5 mRNA. It is a 'silent' change, meaning that it does not change the encoded amino acid sequence of the FBLN5 protein.